The following is an entry in ClinVar:

ClinVar aggregate classification (germline): Uncertain significance (1 of 4 stars; one submission).

Allele frequency attached by ClinVar (database versions not stated): gnomAD 0.00001; gnomAD exomes 0.00001 and 0.00002; ExAC 0.00002; TOPMed 0.00004.
gnomAD v4.1: 8 of 1,613,746 alleles (0.0005%); highest among the groups gnomAD compares: East Asian, 0.0022%; no homozygotes.

Submission:

Labcorp Genetics (formerly Invitae), Labcorp
Classification: Uncertain significance. Last evaluated: 2021-11-02. Review status: criteria provided, single submitter. Criteria: Invitae Variant Classification Sherloc (09022015). Collection method: clinical testing. Allele origin: germline.
Comment: This variant is present in population databases (rs200531195, gnomAD 0.01%). This variant has not been reported in the literature in individuals affected with SLC1A2-related conditions. Algorithms developed to predict the effect of missense changes on protein structure and function output the following: SIFT: "Tolerated"; PolyPhen-2: "Benign"; Align-GVGD: "Class C0". The leucine amino acid residue is found in multiple mammalian species, which suggests that this missense change does not adversely affect protein function. In summary, the available evidence is currently insufficient to determine the role of this variant in disease. Therefore, it has been classified as a Variant of Uncertain Significance. This sequence change replaces proline, which is neutral and non-polar, with leucine, which is neutral and non-polar, at codon 200 of the SLC1A2 protein (p.Pro200Leu).

NM_004171.4(SLC1A2):c.599C>T (p.Pro200Leu)

Gene: SLC1A2 (solute carrier family 1 member 2; minus strand). Cytogenetic location: 11p13.
Variant type: single nucleotide variant.
Coding change: c.599C>T on transcript NM_004171.4 (MANE Select); coding-DNA position 599, C replaced by T.
Protein change: p.Pro200Leu; replaces proline 200 with leucine.
Molecular consequence: missense variant.
Genome position (GRCh38, 1-based): chr11:35,306,205, G>A on the plus strand (C>T on the coding strand, the complement: SLC1A2 is on the minus strand). VCF-style: chr11-35306205-G-A. GRCh37 (hg19) VCF-style: chr11-35327752-G-A.
Other names: c.572C>T, p.Pro191Leu (NM_001195728.3, NM_001252652.2); short protein forms P191L, P200L.
Identifiers: ClinVar variation 1358428 (VCV001358428.6), dbSNP rs200531195, ClinGen allele CA5947272.